The following is an entry in ClinVar:

ClinVar aggregate classification (germline): Conflicting classifications of pathogenicity. Review status: criteria provided, conflicting classifications (1 of 4 stars). 2 submissions from 2 submitters: Likely pathogenic (1); Uncertain significance (1). Last evaluated 2026-03-16.

Conditions:
HYPERHOMOCYSTEINEMIA, THROMBOTIC, CBS-RELATED. Identifiers: MedGen C3150344, OMIM 236200.
Classic homocystinuria. Also called: Homocystinuria due to Cystathionine Beta-Synthase Deficiency; HOMOCYSTINURIA WITH OR WITHOUT RESPONSE TO PYRIDOXINE; Homocystinuria due to CBS deficiency; Cystathionine beta-synthase deficiency; CBS deficiency. Identifiers: Orphanet 394, MedGen C0751202, MONDO:0009352, OMIM 236200.

Submissions (2):

Myriad Genetics, Inc.
Classification: Uncertain significance for Classic homocystinuria. Last evaluated: 2026-03-16. Review status: criteria provided, single submitter. Criteria: Myriad Autosomal Dominant, Autosomal Recessive and X-Linked Classification Criteria (2023). Collection method: clinical testing. Allele origin: unknown.
Comment: NM_000071.2(CBS):c.1047T>G(S349R) is a missense variant classified as a variant of uncertain significance in the context of homocystinuria, CBS-related. S349R has not been observed in cases with relevant disease. Relevant functional assessments of this variant are not available in the literature. S349R has not been observed in referenced population frequency databases. In summary, there is insufficient evidence to classify NM_000071.2(CBS):c.1047T>G(S349R) as pathogenic or benign. Please note: this variant was assessed in the context of healthy population screening.

Labcorp Genetics (formerly Invitae), Labcorp
Classification: Likely pathogenic for HYPERHOMOCYSTEINEMIA, THROMBOTIC, CBS-RELATED. Last evaluated: 2025-12-24. Review status: criteria provided, single submitter. Criteria: Invitae Variant Classification Sherloc (09022015). Collection method: clinical testing. Allele origin: germline.
Comment: This sequence change replaces serine, which is neutral and polar, with arginine, which is basic and polar, at codon 349 of the CBS protein (p.Ser349Arg). This variant is not present in population databases (gnomAD no frequency). This variant has not been reported in the literature in individuals affected with CBS-related conditions. ClinVar contains an entry for this variant (Variation ID: 2740815). Invitae Evidence Modeling of protein sequence and biophysical properties (such as structural, functional, and spatial information, amino acid conservation, physicochemical variation, residue mobility, and thermodynamic stability) indicates that this missense variant is expected to disrupt CBS protein function with a positive predictive value of 95%. This variant disrupts the p.Ser349 amino acid residue in CBS. Other variant(s) that disrupt this residue have been determined to be pathogenic (PMID: 12815602, 22267502). This suggests that this residue is clinically significant, and that variants that disrupt this residue are likely to be disease-causing. In summary, the currently available evidence indicates that the variant is pathogenic, but additional data are needed to prove that conclusively. Therefore, this variant has been classified as Likely Pathogenic.

Literature cited by the submitters: PubMed 12815602 (cited by Labcorp Genetics (formerly Invitae), Labcorp); PubMed 22267502 (cited by Labcorp Genetics (formerly Invitae), Labcorp).

NM_000071.3(CBS):c.1047T>G (p.Ser349Arg)

Gene: CBS (cystathionine beta-synthase; minus strand). Cytogenetic location: 21q22.3.
Variant type: single nucleotide variant.
Coding change: c.1047T>G on transcript NM_000071.3 (MANE Select); coding-DNA position 1047, T replaced by G.
Protein change: p.Ser349Arg; replaces serine 349 with arginine.
Molecular consequence: missense variant.
Genome position (GRCh38, 1-based): chr21:43,060,539, A>C on the plus strand (T>G on the coding strand, the complement: CBS is on the minus strand). VCF-style: chr21-43060539-A-C. GRCh37 (hg19) VCF-style: chr21-44480649-A-C.
Other names: c.1047T>G, p.Ser349Arg (NM_001178008.3, NM_001178009.3, NM_001320298.2); c.732T>G, p.Ser244Arg (NM_001321072.1); short protein forms S349R, S244R.
Identifiers: ClinVar variation 2740815 (VCV002740815.4), dbSNP rs2517413033, ClinGen allele CA410398261.